The following is an entry in ClinVar:

NM_001023.4(RPS20):c.103+4A>C

Gene: RPS20 (ribosomal protein S20; minus strand). Cytogenetic location: 8q12.1.
Variant type: single nucleotide variant.
Coding change: c.103+4A>C on transcript NM_001023.4 (MANE Select); 4 bases into the intron after coding-DNA position 103, A replaced by C.
Molecular consequence: intron variant.
Genome position (GRCh38, 1-based): chr8:56,074,056, T>G on the plus strand (A>C on the coding strand, the complement: RPS20 is on the minus strand). VCF-style: chr8-56074056-T-G. GRCh37 (hg19) VCF-style: chr8-56986615-T-G.
Other names: c.103+4A>C (NM_001146227.3).
Identifiers: ClinVar variation 4863482 (VCV004863482.1).

ClinVar aggregate classification (germline): Uncertain significance (1 of 4 stars; one submission).

Submission:

Ambry Genetics
Classification: Uncertain significance. Last evaluated: 2026-04-29. Review status: criteria provided, single submitter. Criteria: Ambry Variant Classification Scheme 2023. Collection method: clinical testing. Allele origin: germline.
Comment: The c.103+4A>C intronic variant results from an A to C substitution 4 nucleotides after coding exon 2 in the RPS20 gene. This nucleotide position is well conserved in available vertebrate species. In silico splice site analysis predicts that this alteration may result in the creation or strengthening of a novel splice donor site. Based on the available evidence, the clinical significance of this variant remains unclear.